The following is an entry in ClinVar:

NM_004655.4(AXIN2):c.314T>G (p.Val105Gly)

Gene: AXIN2 (axin 2; minus strand). Cytogenetic location: 17q24.1.
Variant type: single nucleotide variant.
Coding change: c.314T>G on transcript NM_004655.4 (MANE Select); coding-DNA position 314, T replaced by G.
Protein change: p.Val105Gly; replaces valine 105 with glycine.
Molecular consequence: missense variant.
Genome position (GRCh38, 1-based): chr17:65,558,307, A>C on the plus strand (T>G on the coding strand, the complement: AXIN2 is on the minus strand). VCF-style: chr17-65558307-A-C. GRCh37 (hg19) VCF-style: chr17-63554425-A-C.
Other names: c.314T>G (LRG_296t1); c.314T>G, p.Val105Gly (NM_001363813.1); short protein forms V105G.
Identifiers: ClinVar variation 217441 (VCV000217441.1), dbSNP rs752881223, ClinGen allele CA280924.
Genomic context (GRCh38, chr17:65,558,307, plus strand): 5'-GTATCCTTCAGGTTCATCTGCCTGAATCCATTGCAGGCAAACCAGAAGTCTAAGGTATCC[A>C]CGCATTTCTCCCTCTCCAGGAAAGTTCGGAACAGGTAAGCACCGTCTTGATCGCCCAATA-3'
Protein context (NP_004646.3, residues 95-115): FRTFLEREKC[Val105Gly]DTLDFWFACN

ClinVar aggregate classification (germline): Pathogenic (0 of 4 stars; one submission).

Conditions:
Non-syndromic oligodontia.

Submission:

Department of Prosthodontics, Peking University School and Hospital of Stomatology
Classification: Pathogenic for Non-syndromic oligodontia. Review status: no assertion criteria provided. Collection method: research. Allele origin: germline. Affected: yes. Observed: 1 variant allele. Study: Etiological Studies of Tooth Agenesis.
Comment: The incisors, canines, first molars and second molars were normal. No tooth germ for third molars was detected.

The nucleotide sequence showed a heterozygous T to G transition at nucleotide 314 (c.314T>G) of the coding sequence in exon 2 of AXIN2, which resulted in the substitution of Val at residue 105 for Gly.

Literature cited by the submitters: PubMed 26406231.